The following is an entry in ClinVar:

NM_147686.4(TRAF3IP2):c.1184A>G (p.Asn395Ser)

Genes: TRAF3IP2 (TRAF3 interacting protein 2; minus strand), TRAF3IP2-AS1 (TRAF3IP2 antisense RNA 1; plus strand). Cytogenetic location: 6q21.
Variant type: single nucleotide variant.
Coding change: c.1184A>G on transcript NM_147686.4 (MANE Select); coding-DNA position 1184, A replaced by G.
Protein change: p.Asn395Ser; replaces asparagine 395 with serine.
Molecular consequence: missense variant.
Genome position (GRCh38, 1-based): chr6:111,575,660, T>C on the plus strand (A>G on the coding strand, the complement: TRAF3IP2 is on the minus strand). VCF-style: chr6-111575660-T-C. GRCh37 (hg19) VCF-style: chr6-111896863-T-C.
Other names: c.1184A>G, p.Asn395Ser (NM_001164281.3); c.1211A>G, p.Asn404Ser (NM_147200.3); short protein forms N395S, N404S.
Identifiers: ClinVar variation 541102 (VCV000541102.34), dbSNP rs139767840, ClinGen allele CA3963175.
Genomic context (GRCh38, chr6:111,575,660, plus strand): 5'-AAAAAAAAAGAGGAAGGAGAGAACAATGTTGCAAACAACTTACGCAATTCTTCTGGCAAA[T>C]TGCTTGTTTTTAGAGTTCCTCTGGCTGGAGGGTTGCTAGGGGGTCTAGGCACAGCAGCTG-3'
Protein context (NP_679211.2, residues 385-405): PPARGTLKTS[Asn395Ser]LPEELRKVFI

ClinVar aggregate classification (germline): Likely benign. Review status: criteria provided, multiple submitters, no conflicts (2 of 4 stars). 8 submissions from 8 submitters: Likely benign (4). 4 of the submissions do not count toward it. Last evaluated 2026-02-01.

Conditions:
Candidiasis, familial, 8 (CANDF8). Identifiers: Orphanet 1334, MedGen C3714992, MONDO:0014230, OMIM 615527.
TRAF3IP2-related disorder. Also called: TRAF3IP2-related condition.

Allele frequency attached by ClinVar (database versions not stated): 1000 Genomes Project 30x 0.00094; 1000 Genomes Project 0.00120; TOPMed 0.00170; gnomAD 0.00172 and 0.00174; ESP Exome Variant Server 0.00261.
gnomAD v4.1: 4,340 of 1,611,662 alleles (0.27%); highest among the groups gnomAD compares: Middle Eastern, 0.4%; 14 homozygotes.

Submissions (8):

Labcorp Genetics (formerly Invitae), Labcorp
Classification: Likely benign for Candidiasis, familial, 8. Last evaluated: 2026-02-01. Review status: criteria provided, single submitter. Criteria: Invitae Variant Classification Sherloc (09022015). Collection method: clinical testing. Allele origin: germline.

CeGaT Center for Human Genetics Tuebingen
Classification: Likely benign. Last evaluated: 2025-07-01. Review status: criteria provided, single submitter. Criteria: CeGaT Center For Human Genetics Tuebingen Variant Classification Criteria Version 2. Collection method: clinical testing. Allele origin: germline. Affected: yes. Observed: 2 variant alleles.
Comment: TRAF3IP2: BP4, BS2

Blueprint Genetics
Classification: Likely benign. Last evaluated: 2024-11-22. Review status: criteria provided, single submitter. Criteria: ACMG Guidelines, 2015. Collection method: clinical testing. Allele origin: germline.

Breakthrough Genomics
Classification: Likely benign. Review status: criteria provided, single submitter. Criteria: ACMG Guidelines, 2015. Collection method: not provided. Allele origin: germline. Inheritance: Autosomal recessive inheritance. Affected: yes.

PreventionGenetics, part of Exact Sciences
Classification: Likely benign for TRAF3IP2-related condition. Last evaluated: 2022-03-28. Review status: no assertion criteria provided. Collection method: clinical testing. Allele origin: germline. Not counted in ClinVar's aggregate classification.
Comment: This variant is classified as likely benign based on ACMG/AMP sequence variant interpretation guidelines (Richards et al. 2015 PMID: 25741868, with internal and published modifications).

Clinical Genetics DNA and cytogenetics Diagnostics Lab, Erasmus MC, Erasmus Medical Center
Classification: Likely benign. Review status: no assertion criteria provided. Collection method: clinical testing. Allele origin: germline. Affected: yes. Study: VKGL Data-share Consensus. Not counted in ClinVar's aggregate classification.

Diagnostic Laboratory, Department of Genetics, University Medical Center Groningen
Classification: Likely benign. Review status: no assertion criteria provided. Collection method: clinical testing. Allele origin: germline. Affected: yes. Study: VKGL Data-share Consensus. Not counted in ClinVar's aggregate classification.

Genome Diagnostics Laboratory, University Medical Center Utrecht
Classification: Likely benign. Review status: no assertion criteria provided. Collection method: clinical testing. Allele origin: germline. Affected: yes. Study: VKGL Data-share Consensus. Not counted in ClinVar's aggregate classification.